The following is an entry in ClinVar:

ClinVar aggregate classification (germline): Uncertain significance. Review status: criteria provided, multiple submitters, no conflicts (2 of 4 stars). 4 submissions from 4 submitters: Uncertain significance (4). Last evaluated 2026-08-14.

Conditions:
Inborn genetic diseases. Identifiers: MedGen C0950123, MeSH D030342.
Charcot-Marie-Tooth disease type 4. Also called: Charcot-Marie-Tooth, Type 4; Charcot-Marie-Tooth disease, type IV. Identifiers: Orphanet 64749, MedGen C4082197, MONDO:0018995.
Charcot-Marie-Tooth disease. Also called: Charcot-Marie-Tooth Hereditary Neuropathy; Charcot-Marie-Tooth Neuropathy. Identifiers: Orphanet 166, MedGen C0007959, MONDO:0015626.

Allele frequency attached by ClinVar (database versions not stated): TOPMed 0.00003.
gnomAD v4.1: 40 of 1,554,174 alleles (0.0026%); highest among the groups gnomAD compares: Non-Finnish European, 0.0033%; 1 homozygote.

Submissions (4):

GeneDx
Classification: Uncertain significance. Last evaluated: 2026-08-14. Review status: criteria provided, single submitter. Criteria: GeneDx Variant Classification Process June 2021. Collection method: clinical testing. Allele origin: germline.
Comment: Not observed at significant frequency in large population cohorts (gnomAD); In silico analysis supports that this missense variant has a deleterious effect on protein structure/function; Has not been previously published as pathogenic or benign to our knowledge

Labcorp Genetics (formerly Invitae), Labcorp
Classification: Uncertain significance for Charcot-Marie-Tooth disease type 4. Last evaluated: 2022-04-08. Review status: criteria provided, single submitter. Criteria: Invitae Variant Classification Sherloc (09022015). Collection method: clinical testing. Allele origin: germline.
Comment: This sequence change replaces arginine, which is basic and polar, with cysteine, which is neutral and slightly polar, at codon 228 of the PRX protein (p.Arg228Cys). The frequency data for this variant in the population databases is considered unreliable, as metrics indicate poor data quality at this position in the gnomAD database. In summary, the available evidence is currently insufficient to determine the role of this variant in disease. Therefore, it has been classified as a Variant of Uncertain Significance. Algorithms developed to predict the effect of missense changes on protein structure and function are either unavailable or do not agree on the potential impact of this missense change (SIFT: "Tolerated"; PolyPhen-2: "Possibly Damaging"; Align-GVGD: "Class C15"). ClinVar contains an entry for this variant (Variation ID: 424325). This variant has not been reported in the literature in individuals affected with PRX-related conditions.

Ambry Genetics
Classification: Uncertain significance for Inborn genetic diseases. Last evaluated: 2019-11-04. Review status: criteria provided, single submitter. Criteria: Ambry Variant Classification Scheme 2023. Collection method: clinical testing. Allele origin: germline.
Comment: The p.R228C variant (also known as c.682C>T), located in coding exon 4 of the PRX gene, results from a C to T substitution at nucleotide position 682. The arginine at codon 228 is replaced by cysteine, an amino acid with highly dissimilar properties. This amino acid position is not well conserved in available vertebrate species. In addition, this alteration is predicted to be tolerated by in silico analysis. Since supporting evidence is limited at this time, the clinical significance of this alteration remains unclear.

Molecular Genetics Laboratory, London Health Sciences Centre
Classification: Uncertain significance for Charcot-Marie-Tooth disease. Review status: criteria provided, single submitter. Criteria: ACMG Guidelines, 2015. Collection method: clinical testing. Allele origin: germline. Affected: yes.

NM_181882.3(PRX):c.682C>T (p.Arg228Cys)

Gene: PRX (periaxin; minus strand). Cytogenetic location: 19q13.2.
Variant type: single nucleotide variant.
Coding change: c.682C>T on transcript NM_181882.3 (MANE Select); coding-DNA position 682, C replaced by T.
Protein change: p.Arg228Cys; replaces arginine 228 with cysteine.
Molecular consequence: missense variant. On other transcripts: 3 prime UTR variant (1).
Genome position (GRCh38, 1-based): chr19:40,397,670, G>A on the plus strand (C>T on the coding strand, the complement: PRX is on the minus strand). VCF-style: chr19-40397670-G-A. GRCh37 (hg19) VCF-style: chr19-40903577-G-A.
Other names: c.*887C>T (NM_020956.2); short protein forms R228C.
Identifiers: ClinVar variation 424325 (VCV000424325.12), dbSNP rs751238438, ClinGen allele CA16620845.